The following is an entry in ClinVar:

ClinVar aggregate classification (germline): Uncertain significance. Review status: criteria provided, multiple submitters, no conflicts (2 of 4 stars). 2 submissions from 2 submitters: Uncertain significance (2). Last evaluated 2026-01-14.

Conditions:
Developmental and epileptic encephalopathy 112. Identifiers: MedGen C5882700, MONDO:0957812, OMIM 620537.
Early-infantile DEE. Also called: Ohtahara syndrome; Early infantile epileptic encephalopathy; Early infantile epileptic encephalopathy with suppression bursts. Identifiers: Orphanet 1934, MedGen C0393706, MONDO:0800491.

Submissions (2):

3billion
Classification: Uncertain significance for Developmental and epileptic encephalopathy 112. Last evaluated: 2026-01-14. Review status: criteria provided, single submitter. Criteria: ACMG Guidelines, 2015. Collection method: clinical testing. Allele origin: germline. Affected: yes.
Comment: The variant is not observed in the gnomAD v4.1.0 dataset. Predicted Consequence/Location: Missense variant. Missense changes are a common disease-causing mechanism. In silico tool predictions suggest damaging effect of the variant on gene or gene product [REVEL: 0.64 (>=0.6, sensitivity 0.68 and specificity 0.92)]. The variant has been reported as of uncertain significance (ClinVar ID: VCV003627484). Therefore, this variant is classified as VUS according to the recommendation of ACMG/AMP guideline.

Labcorp Genetics (formerly Invitae), Labcorp
Classification: Uncertain significance for Early-infantile DEE. Last evaluated: 2024-12-17. Review status: criteria provided, single submitter. Criteria: Invitae Variant Classification Sherloc (09022015). Collection method: clinical testing. Allele origin: germline.
Comment: This sequence change replaces proline, which is neutral and non-polar, with arginine, which is basic and polar, at codon 889 of the KCNH5 protein (p.Pro889Arg). This variant is not present in population databases (gnomAD no frequency). This variant has not been reported in the literature in individuals affected with KCNH5-related conditions. An algorithm developed to predict the effect of missense changes on protein structure and function (PolyPhen-2) suggests that this variant is likely to be disruptive. In summary, the available evidence is currently insufficient to determine the role of this variant in disease. Therefore, it has been classified as a Variant of Uncertain Significance.

NM_139318.5(KCNH5):c.2666C>G (p.Pro889Arg)

Gene: KCNH5 (potassium voltage-gated channel subfamily H member 5; minus strand). Cytogenetic location: 14q23.2.
Variant type: single nucleotide variant.
Coding change: c.2666C>G on transcript NM_139318.5 (MANE Select); coding-DNA position 2666, C replaced by G.
Protein change: p.Pro889Arg; replaces proline 889 with arginine.
Molecular consequence: missense variant. On other transcripts: 3 prime UTR variant (1).
Genome position (GRCh38, 1-based): chr14:62,707,809, G>C on the plus strand (C>G on the coding strand, the complement: KCNH5 is on the minus strand). VCF-style: chr14-62707809-G-C. GRCh37 (hg19) VCF-style: chr14-63174527-G-C.
Other names: c.*633C>G (NM_172375.3); short protein forms P889R.
Identifiers: ClinVar variation 3627484 (VCV003627484.3).